The following is an entry in ClinVar:

ClinVar aggregate classification (germline): Likely pathogenic (1 of 4 stars; one submission).

Conditions:
Portal hypertension, noncirrhotic, 1 (NCPH1). Identifiers: MedGen CN305369, MONDO:8000013, OMIM 617068.
Mitochondrial DNA depletion syndrome 3 (hepatocerebral type). Also called: Deoxyguanosine Kinase Deficiency; Mitochondrial DNA depletion syndrome, hepatocerebral form due to DGUOK deficiency; MITOCHONDRIAL DNA DEPLETION SYNDROME 3. Identifiers: Orphanet 279934, MedGen CN074093, MONDO:0009636, OMIM 251880.
Progressive external ophthalmoplegia with mitochondrial DNA deletions, autosomal recessive 4. Also called: PROGRESSIVE EXTERNAL OPHTHALMOPLEGIA, AUTOSOMAL RECESSIVE 4; Adult-onset multiple mitochondrial DNA deletion syndrome due to DGUOK deficiency. Identifiers: Orphanet 329314, MedGen C4310733, MONDO:0014899, OMIM 617070.

Submission:

Juno Genomics, Hangzhou Juno Genomics, Inc
Classification: Likely pathogenic for Mitochondrial DNA depletion syndrome 3 (hepatocerebral type); Portal hypertension, noncirrhotic, 1; Progressive external ophthalmoplegia with mitochondrial DNA deletions, autosomal recessive 4. Review status: criteria provided, single submitter. Criteria: ACMG Guidelines, 2015. Collection method: clinical testing. Allele origin: germline. Affected: yes.
Comment: Absent from controls (or at extremely low frequency if recessive) in Genome Aggregation Database, Exome Sequencing Project, 1000 Genomes Project, or Exome Aggregation Consortium.;Null variant in a gene where loss of function (LOF) is a known mechanism of disease.

NM_080916.3(DGUOK):c.214_215del (p.Val72fs)

Gene: DGUOK (deoxyguanosine kinase; plus strand). Cytogenetic location: 2p13.1.
Variant type: Deletion.
Coding change: c.214_215del on transcript NM_080916.3 (MANE Select); coding-DNA positions 214 to 215, 2 bases deleted (GT; older notation c.214_215delGT).
Protein change: p.Val72fs; shifts the reading frame from valine 72.
Molecular consequence: frameshift variant. On other transcripts: intron variant (4).
Genome position (GRCh38, 1-based): chr2:73,938,981-73,938,982, GT deleted; deleting any 2 consecutive bases within chr2:73,938,980-73,938,982 gives the same sequence; the c. name uses the placement nearest the transcript's 3' end. VCF-style (leftmost placement, unchanged base first): chr2-73938979-CTG-C. GRCh37 (hg19) VCF-style: chr2-74166106-CTG-C.
Other names: c.214_215del, p.Val72fs (NM_001318859.2, NM_080918.3); c.-37+6298_-37+6299del (NM_001318861.2, NM_001318862.2); c.-36-7738_-36-7737del (NM_001318860.2, NM_001318863.2); short protein forms V72fs.
Identifiers: ClinVar variation 3382406 (VCV003382406.2).